The following is an entry in ClinVar:

NM_006031.6(PCNT):c.7541G>A (p.Arg2514Gln)

Gene: PCNT (pericentrin; plus strand). Cytogenetic location: 21q22.3.
Variant type: single nucleotide variant.
Coding change: c.7541G>A on transcript NM_006031.6 (MANE Select); coding-DNA position 7541, G replaced by A.
Protein change: p.Arg2514Gln; replaces arginine 2514 with glutamine.
Molecular consequence: missense variant.
Genome position (GRCh38, 1-based): chr21:46,428,441, G>A. VCF-style: chr21-46428441-G-A. GRCh37 (hg19) VCF-style: chr21-47848355-G-A.
Other names: c.7187G>A, p.Arg2396Gln (NM_001315529.2); short protein forms R2514Q, R2396Q.
Identifiers: ClinVar variation 436271 (VCV000436271.11), dbSNP rs370021414, ClinGen allele CA10080702.

ClinVar aggregate classification (germline): Uncertain significance. Review status: criteria provided, multiple submitters, no conflicts (2 of 4 stars). 3 submissions from 3 submitters: Uncertain significance (2). 1 of the submissions does not count toward it. Last evaluated 2026-01-28.

Conditions:
PCNT-related disorder. Also called: PCNT-related condition.

Allele frequency attached by ClinVar (database versions not stated): gnomAD exomes 0.00004 and 0.00012; ESP Exome Variant Server 0.00008; ExAC 0.00013; gnomAD 0.00024 and 0.00029; TOPMed 0.00025; 1000 Genomes Project 30x 0.00062; 1000 Genomes Project 0.00080.
gnomAD v4.1: 97 of 1,612,534 alleles (0.006%); highest among the groups gnomAD compares: African/African-American, 0.079%; 1 homozygote.

Submissions (3):

Labcorp Genetics (formerly Invitae), Labcorp
Classification: Uncertain significance. Last evaluated: 2026-01-28. Review status: criteria provided, single submitter. Criteria: Invitae Variant Classification Sherloc (09022015). Collection method: clinical testing. Allele origin: germline.
Comment: This sequence change replaces arginine, which is basic and polar, with glutamine, which is neutral and polar, at codon 2514 of the PCNT protein (p.Arg2514Gln). This variant is present in population databases (rs370021414, gnomAD 0.09%), including at least one homozygous and/or hemizygous individual. This variant has not been reported in the literature in individuals affected with PCNT-related conditions. ClinVar contains an entry for this variant (Variation ID: 436271). An algorithm developed to predict the effect of missense changes on protein structure and function (PolyPhen-2) suggests that this variant is likely to be disruptive. In summary, the available evidence is currently insufficient to determine the role of this variant in disease. Therefore, it has been classified as a Variant of Uncertain Significance.

Genetic Services Laboratory, University of Chicago
Classification: Uncertain significance. Last evaluated: 2016-10-13. Review status: criteria provided, single submitter. Criteria: ACMG Guidelines, 2015. Collection method: clinical testing. Allele origin: germline. Affected: no.

PreventionGenetics, part of Exact Sciences
Classification: Uncertain significance for PCNT-related condition. Last evaluated: 2024-03-11. Review status: no assertion criteria provided. Collection method: clinical testing. Allele origin: germline. Not counted in ClinVar's aggregate classification.
Comment: The PCNT c.7541G>A variant is predicted to result in the amino acid substitution p.Arg2514Gln. To our knowledge, this variant has not been reported in the literature. This variant is reported in 0.094% of alleles in individuals of African descent in gnomAD, including one homozygote. Although we suspect that this variant may be benign, at this time, the clinical significance of this variant is uncertain due to the absence of conclusive functional and genetic evidence.